The following is an entry in ClinVar:

ClinVar aggregate classification (germline): Uncertain significance (1 of 4 stars; one submission).

Conditions:
NSD1-related disorder. Also called: NSD1-related condition.

Submission:

PreventionGenetics, part of Exact Sciences
Classification: Uncertain significance for NSD1-related condition. Last evaluated: 2025-08-15. Review status: criteria provided, single submitter. Criteria: ACMG Guidelines, 2015. Collection method: clinical testing. Allele origin: germline.
Comment: The NSD1 c.49T>C variant is predicted to result in the amino acid substitution p.Ser17Pro. To our knowledge, this variant has not been reported in the literature or in a large population database (gnomAD), indicating this variant is rare. At this time, the clinical significance of this variant is uncertain due to the absence of conclusive functional and genetic evidence.

NM_022455.5(NSD1):c.49T>C (p.Ser17Pro)

Gene: NSD1 (nuclear receptor binding SET domain protein 1; plus strand). Cytogenetic location: 5q35.3.
Variant type: single nucleotide variant.
Coding change: c.49T>C on transcript NM_022455.5 (MANE Select); coding-DNA position 49, T replaced by C.
Protein change: p.Ser17Pro; replaces serine 17 with proline.
Molecular consequence: missense variant. On other transcripts: 5 prime UTR variant (7).
Genome position (GRCh38, 1-based): chr5:177,135,152, T>C. VCF-style: chr5-177135152-T-C. GRCh37 (hg19) VCF-style: chr5-176562153-T-C.
Other names: c.-85T>C (NM_001365684.2, NM_001409305.1, NM_001409306.1 and 4 more transcripts); c.49T>C, p.Ser17Pro (NM_001409301.1, NM_001409302.1, NM_001409303.1 and 1 more transcripts); short protein forms S17P.
Identifiers: ClinVar variation 5002646 (VCV005002646.1).
Genomic context (GRCh38, chr5:177,135,152, plus strand): 5'-TGCCGGCCCAGGATGGATCAGACCTGTGAACTACCCAGAAGAAATTGTCTGCTGCCCTTT[T>C]CCAATCCAGTGAATTTAGATGCCCCTGAAGACAAGGACAGCCCTTTCGGTAATGGTCAAT-3'
Protein context (NP_071900.2, residues 7-27): LPRRNCLLPF[Ser17Pro]NPVNLDAPED